The following is an entry in ClinVar:

ClinVar aggregate classification (germline): Uncertain significance (1 of 4 stars; one submission).

Conditions:
Hereditary cancer-predisposing syndrome. Also called: Neoplastic Syndromes, Hereditary; Tumor predisposition; Hereditary Cancer Syndrome; Hereditary neoplastic syndrome. Identifiers: Orphanet 140162, MedGen C0027672, MeSH D009386, MONDO:0015356.

Submission:

Ambry Genetics
Classification: Uncertain significance for Hereditary cancer-predisposing syndrome. Last evaluated: 2021-06-26. Review status: criteria provided, single submitter. Criteria: Ambry Variant Classification Scheme 2023. Collection method: clinical testing. Allele origin: germline.
Comment: The p.S1196G variant (also known as c.3586A>G), located in coding exon 18 of the BLM gene, results from an A to G substitution at nucleotide position 3586. The serine at codon 1196 is replaced by glycine, an amino acid with similar properties. This amino acid position is conserved. In addition, this alteration is predicted to be tolerated by in silico analysis. Since supporting evidence is limited at this time, the clinical significance of this alteration remains unclear.

NM_000057.4(BLM):c.3586A>G (p.Ser1196Gly)

Gene: BLM (BLM RecQ like helicase; plus strand). Cytogenetic location: 15q26.1.
Variant type: single nucleotide variant.
Coding change: c.3586A>G on transcript NM_000057.4 (MANE Select); coding-DNA position 3586, A replaced by G.
Protein change: p.Ser1196Gly; replaces serine 1196 with glycine.
Molecular consequence: missense variant. On other transcripts: intron variant (1).
Genome position (GRCh38, 1-based): chr15:90,804,194, A>G. VCF-style: chr15-90804194-A-G. GRCh37 (hg19) VCF-style: chr15-91347424-A-G.
Other names: c.3586A>G, p.Ser1196Gly (NM_001287246.2); c.2461A>G, p.Ser821Gly (NM_001287248.2); c.3359-4943A>G (NM_001287247.2); short protein forms S821G, S1196G.
Identifiers: ClinVar variation 1732941 (VCV001732941.2), dbSNP rs2505549589, ClinGen allele CA393847938.